The following is an entry in ClinVar:

NM_002087.4(GRN):c.932A>T (p.Gln311Leu)

Gene: GRN (granulin precursor; plus strand). Cytogenetic location: 17q21.31.
Variant type: single nucleotide variant.
Coding change: c.932A>T on transcript NM_002087.4 (MANE Select); coding-DNA position 932, A replaced by T.
Protein change: p.Gln311Leu; replaces glutamine 311 with leucine.
Molecular consequence: missense variant.
Genome position (GRCh38, 1-based): chr17:44,351,459, A>T. VCF-style: chr17-44351459-A-T. GRCh37 (hg19) VCF-style: chr17-42428827-A-T.
Other names: short protein forms Q311L.
Identifiers: ClinVar variation 2194185 (VCV002194185.1), dbSNP rs2048373531, ClinGen allele CA399765015.

ClinVar aggregate classification (germline): Uncertain significance (1 of 4 stars; one submission).

Conditions:
GRN-related frontotemporal lobar degeneration with Tdp43 inclusions (FTD2). Also called: DEMENTIA, HEREDITARY DYSPHASIC DISINHIBITION; FRONTOTEMPORAL LOBAR DEGENERATION WITH UBIQUITIN-POSITIVE INCLUSIONS; FTLD-TDP, GRN-RELATED; GRN Frontotemporal Dementia; FRONTOTEMPORAL DEMENTIA WITH TDP43 INCLUSIONS, GRN-RELATED. Identifiers: Orphanet 100070, Orphanet 282, MedGen C1843792, MONDO:0011842, OMIM 607485. Disease mechanism: loss of function.
Neuronal ceroid lipofuscinosis 11. Also called: GRN-Related Neuronal Ceroid-Lipofuscinosis. Identifiers: Orphanet 314629, Orphanet 79262, MedGen C3539123, MONDO:0013866, OMIM 614706.

Submission:

Labcorp Genetics (formerly Invitae), Labcorp
Classification: Uncertain significance for Neuronal ceroid lipofuscinosis 11; GRN-related frontotemporal lobar degeneration with Tdp43 inclusions. Last evaluated: 2022-08-25. Review status: criteria provided, single submitter. Criteria: Invitae Variant Classification Sherloc (09022015). Collection method: clinical testing. Allele origin: germline.
Comment: This sequence change replaces glutamine, which is neutral and polar, with leucine, which is neutral and non-polar, at codon 311 of the GRN protein (p.Gln311Leu). This variant is not present in population databases (gnomAD no frequency). This variant has not been reported in the literature in individuals affected with GRN-related conditions. Algorithms developed to predict the effect of missense changes on protein structure and function are either unavailable or do not agree on the potential impact of this missense change (SIFT: "Deleterious"; PolyPhen-2: "Possibly Damaging"; Align-GVGD: "Class C0"). Algorithms developed to predict the effect of sequence changes on RNA splicing suggest that this variant may disrupt the consensus splice site. In summary, the available evidence is currently insufficient to determine the role of this variant in disease. Therefore, it has been classified as a Variant of Uncertain Significance.